The following is an entry in ClinVar:

ClinVar aggregate classification (germline): Likely benign. Review status: criteria provided, multiple submitters, no conflicts (2 of 4 stars). 4 submissions from 4 submitters: Likely benign (3). 1 of the submissions does not count toward it. Last evaluated 2026-01-26.

Conditions:
DHX38-related disorder. Also called: DHX38-related condition.

Allele frequency attached by ClinVar (database versions not stated): 1000 Genomes Project 30x 0.00031; 1000 Genomes Project 0.00040; TOPMed 0.00088; ESP Exome Variant Server 0.00108; gnomAD 0.00108 and 0.00110; gnomAD exomes 0.00119; ExAC 0.00126.

Submissions (4):

Labcorp Genetics (formerly Invitae), Labcorp
Classification: Likely benign. Last evaluated: 2026-01-26. Review status: criteria provided, single submitter. Criteria: Invitae Variant Classification Sherloc (09022015). Collection method: clinical testing. Allele origin: germline.

CeGaT Center for Human Genetics Tuebingen
Classification: Likely benign. Last evaluated: 2025-02-01. Review status: criteria provided, single submitter. Criteria: CeGaT Center For Human Genetics Tuebingen Variant Classification Criteria Version 2. Collection method: clinical testing. Allele origin: germline. Affected: yes. Observed: 2 variant alleles.
Comment: DHX38: BS2

Blueprint Genetics
Classification: Likely benign. Last evaluated: 2024-11-19. Review status: criteria provided, single submitter. Criteria: ACMG Guidelines, 2015. Collection method: clinical testing. Allele origin: germline.

PreventionGenetics, part of Exact Sciences
Classification: Likely benign for DHX38-related condition. Last evaluated: 2020-07-28. Review status: no assertion criteria provided. Collection method: clinical testing. Allele origin: germline. Not counted in ClinVar's aggregate classification.
Comment: This variant is classified as likely benign based on ACMG/AMP sequence variant interpretation guidelines (Richards et al. 2015 PMID: 25741868, with internal and published modifications).

NM_014003.4(DHX38):c.3662C>T (p.Thr1221Met)

Gene: DHX38 (DEAH-box helicase 38; plus strand). Cytogenetic location: 16q22.2.
Variant type: single nucleotide variant.
Coding change: c.3662C>T on transcript NM_014003.4 (MANE Select); coding-DNA position 3662, C replaced by T.
Protein change: p.Thr1221Met; replaces threonine 1221 with methionine.
Molecular consequence: missense variant.
Genome position (GRCh38, 1-based): chr16:72,112,475, C>T. VCF-style: chr16-72112475-C-T. GRCh37 (hg19) VCF-style: chr16-72146374-C-T.
Other names: short protein forms T1221M.
Identifiers: ClinVar variation 733154 (VCV000733154.35), dbSNP rs137867582, ClinGen allele CA8161077.